The following is an entry in ClinVar:

ClinVar aggregate classification (germline): Pathogenic/Likely pathogenic. Review status: criteria provided, multiple submitters, no conflicts (2 of 4 stars). 4 submissions from 4 submitters: Pathogenic (2); Likely pathogenic (1). 1 of the submissions does not count toward it. Last evaluated 2026-04-01.

Conditions:
Cone-rod dystrophy 3 (CORD3). Identifiers: Orphanet 1872, MedGen C1858806, MONDO:0011395, OMIM 604116.
Severe early-childhood-onset retinal dystrophy (STGD1). Also called: Stargardt macular dystrophy; Juvenile onset macular degeneration; Stargardt disease 1; MACULAR DYSTROPHY WITH FLECKS, TYPE 1; STGD. Identifiers: Orphanet 364055, Orphanet 827, MedGen C1855465, MeSH D000080362, MONDO:0009549, OMIM 248200.

Submissions (4):

Department of Genetics, Sultan Qaboos University Hospital
Classification: Pathogenic for Severe early-childhood-onset retinal dystrophy. Last evaluated: 2026-04-01. Review status: criteria provided, single submitter. Criteria: ACMG Guidelines, 2015. Collection method: clinical testing. Allele origin: germline. Affected: yes. Observed: 1 variant allele.
Comment: PS1_Strong,PM2_Supporting,PP3_Moderate,PM5_Moderate,PP1_Strong

Labcorp Genetics (formerly Invitae), Labcorp
Classification: Pathogenic. Last evaluated: 2025-12-13. Review status: criteria provided, single submitter. Criteria: Invitae Variant Classification Sherloc (09022015). Collection method: clinical testing. Allele origin: germline.
Comment: This sequence change replaces glutamine, which is neutral and polar, with arginine, which is basic and polar, at codon 1713 of the ABCA4 protein (p.Gln1713Arg). Information on the frequency of this variant in the gnomAD database is not available, as this variant may be reported differently in the database. This missense change has been observed in individual(s) with Stargardt disease (PMID: 21911583, 29178665, 32783370; internal data). ClinVar contains an entry for this variant (Variation ID: 866082). An algorithm developed to predict the effect of missense changes on protein structure and function (PolyPhen-2) suggests that this variant is likely to be disruptive. This variant disrupts the p.Gln1713 amino acid residue in ABCA4. Other variant(s) that disrupt this residue have been determined to be pathogenic (PMID: 28118664, 29925512). This suggests that this residue is clinically significant, and that variants that disrupt this residue are likely to be disease-causing. For these reasons, this variant has been classified as Pathogenic.

GeneDx
Classification: Likely pathogenic. Last evaluated: 2019-09-30. Review status: criteria provided, single submitter. Criteria: GeneDx Variant Classification Process June 2021. Collection method: clinical testing. Allele origin: germline. Affected: yes.
Comment: Not observed in large population cohorts (Lek et al., 2016); In silico analysis, which includes protein predictors and evolutionary conservation, supports a deleterious effect; This variant is associated with the following publications: (PMID: 32783370, 21911583, 29178665)

Moosajee Lab, UCL Institute of Ophthalmology
Classification: Likely pathogenic for Cone-rod dystrophy 3. Review status: no assertion criteria provided. Collection method: clinical testing. Allele origin: inherited. Affected: yes. Observed: 1 homozygote. Not counted in ClinVar's aggregate classification.

Literature cited by the submitters: PubMed 21911583 (cited by Labcorp Genetics (formerly Invitae), Labcorp); PubMed 29178665 (cited by Labcorp Genetics (formerly Invitae), Labcorp); PubMed 32783370 (cited by Labcorp Genetics (formerly Invitae), Labcorp); PubMed 28118664 (cited by Labcorp Genetics (formerly Invitae), Labcorp); PubMed 29925512 (cited by Labcorp Genetics (formerly Invitae), Labcorp).

NM_000350.3(ABCA4):c.5137_5138delinsAG (p.Gln1713Arg)

Gene: ABCA4 (ATP binding cassette subfamily A member 4; minus strand). Cytogenetic location: 1p22.1.
Variant type: Indel.
Coding change: c.5137_5138delinsAG on transcript NM_000350.3 (MANE Select); coding-DNA positions 5137 to 5138, CA replaced by AG.
Protein change: p.Gln1713Arg; replaces glutamine 1713 with arginine.
Molecular consequence: missense variant.
Genome position (GRCh38, 1-based): chr1:94,019,640-94,019,641, TG replaced by CT on the plus strand (CA replaced by AG on the coding strand, the reverse complement: ABCA4 is on the minus strand). VCF-style: chr1-94019640-TG-CT. GRCh37 (hg19) VCF-style: chr1-94485196-TG-CT.
Other names: c.5137_5138delCAinsAG (NM_000350.2); c.4915_4916delCAinsAG, p.Gln1639Arg (NM_001425324.1); short protein forms Q1713R, Q1639R.
Identifiers: ClinVar variation 866082 (VCV000866082.14), dbSNP rs1659840790, ClinGen allele CA916082054.